The following is an entry in ClinVar:

NM_004304.5(ALK):c.3094C>T (p.Pro1032Ser)

Gene: ALK (ALK receptor tyrosine kinase; minus strand). Cytogenetic location: 2p23.2.
Variant type: single nucleotide variant.
Coding change: c.3094C>T on transcript NM_004304.5 (MANE Select); coding-DNA position 3094, C replaced by T.
Protein change: p.Pro1032Ser; replaces proline 1032 with serine.
Molecular consequence: missense variant.
Genome position (GRCh38, 1-based): chr2:29,225,539, G>A on the plus strand (C>T on the coding strand, the complement: ALK is on the minus strand). VCF-style: chr2-29225539-G-A. GRCh37 (hg19) VCF-style: chr2-29448405-G-A.
Other names: c.3094C>T (NM_004304.4); short protein forms P1032S.
Identifiers: ClinVar variation 1431379 (VCV001431379.11), dbSNP rs369347067, ClinGen allele CA44633267.

ClinVar aggregate classification (germline): Uncertain significance. Review status: criteria provided, multiple submitters, no conflicts (2 of 4 stars). 3 submissions from 3 submitters: Uncertain significance (3). Last evaluated 2025-02-26.

Conditions:
Neuroblastoma, susceptibility to, 3. Also called: ALK-Related Neuroblastic Tumor Susceptibility. Identifiers: Orphanet 635, MedGen C2751681, MONDO:0013083, OMIM 613014.
Hereditary cancer-predisposing syndrome. Also called: Neoplastic Syndromes, Hereditary; Hereditary Cancer Syndrome; Tumor predisposition; Hereditary neoplastic syndrome. Identifiers: Orphanet 140162, MedGen C0027672, MeSH D009386, MONDO:0015356.

Allele frequency attached by ClinVar (database versions not stated): gnomAD 0.00001; TOPMed 0.00002; ESP Exome Variant Server 0.00008.

Submissions (3):

Labcorp Genetics (formerly Invitae), Labcorp
Classification: Uncertain significance for Neuroblastoma, susceptibility to, 3. Last evaluated: 2025-02-26. Review status: criteria provided, single submitter. Criteria: Invitae Variant Classification Sherloc (09022015). Collection method: clinical testing. Allele origin: germline.
Comment: This sequence change replaces proline, which is neutral and non-polar, with serine, which is neutral and polar, at codon 1032 of the ALK protein (p.Pro1032Ser). This variant is not present in population databases (gnomAD no frequency). This variant has not been reported in the literature in individuals affected with ALK-related conditions. ClinVar contains an entry for this variant (Variation ID: 1431379). An algorithm developed to predict the effect of missense changes on protein structure and function (PolyPhen-2) suggests that this variant is likely to be tolerated. In summary, the available evidence is currently insufficient to determine the role of this variant in disease. Therefore, it has been classified as a Variant of Uncertain Significance.

Ambry Genetics
Classification: Uncertain significance for Hereditary cancer-predisposing syndrome. Last evaluated: 2025-01-25. Review status: criteria provided, single submitter. Criteria: Ambry Variant Classification Scheme 2023. Collection method: clinical testing. Allele origin: germline.
Comment: The p.P1032S variant (also known as c.3094C>T), located in coding exon 19 of the ALK gene, results from a C to T substitution at nucleotide position 3094. The proline at codon 1032 is replaced by serine, an amino acid with similar properties. This amino acid position is conserved. In addition, this alteration is predicted to be tolerated by in silico analysis. Since supporting evidence is limited at this time, the clinical significance of this alteration remains unclear.

Sema4
Classification: Uncertain significance for Hereditary cancer-predisposing syndrome. Last evaluated: 2021-09-25. Review status: criteria provided, single submitter. Criteria: Sema4 Curation Guidelines. Collection method: curation. Allele origin: germline.
Comment: The ALK c.3094C>T (p.P1032S) variant has not been reported in the literature to our knowledge. It was not observed in the large and broad cohorts of the Genome Aggregation Database (PMID: 32461654). This variant has not been reported in ClinVar. Functional studies have not been performed, and in silico predictions of the variant's effect on protein function are inconclusive. The evidence is insufficient to meet ACMG/AMP criteria for classifying the variant as benign or pathogenic. Thus, the clinical significance of this variant is currently uncertain.